The following is an entry in ClinVar:

NM_001943.5(DSG2):c.1553A>G (p.Glu518Gly)

Gene: DSG2 (desmoglein 2; plus strand). Cytogenetic location: 18q12.1.
Variant type: single nucleotide variant.
Coding change: c.1553A>G on transcript NM_001943.5 (MANE Select); coding-DNA position 1553, A replaced by G.
Protein change: p.Glu518Gly; replaces glutamic acid 518 with glycine.
Molecular consequence: missense variant.
Genome position (GRCh38, 1-based): chr18:31,536,331, A>G. VCF-style: chr18-31536331-A-G. GRCh37 (hg19) VCF-style: chr18-29116294-A-G.
Other names: short protein forms E518G.
Identifiers: ClinVar variation 1172281 (VCV001172281.5), dbSNP rs2144341749, ClinGen allele CA402141773.

ClinVar aggregate classification (germline): Uncertain significance. Review status: criteria provided, multiple submitters, no conflicts (2 of 4 stars). 3 submissions from 3 submitters: Uncertain significance (3). Last evaluated 2025-12-16.

Conditions:
Arrhythmogenic right ventricular cardiomyopathy (ARVD). Also called: Cardiomyopathy, ARVC; Arrhythmogenic right ventricular dysplasia; Arrhythmogenic cardiomyopathy; Arrhythmogenic Right Ventricular Cardiomyopathy (ARVC). Identifiers: Orphanet 247, MedGen C0349788, MeSH D019571, MONDO:0016587. Disease mechanism: loss of function. Inheritance: Various modes of inheritance.
Cardiomyopathy (CMYO). Also called: Cardiomyopathies. Identifiers: Orphanet 167848, MedGen C0878544, MONDO:0004994, HP:0001638. Inheritance: Various modes of inheritance.
Arrhythmogenic right ventricular dysplasia 10. Also called: Arrhythmogenic Right Ventricular Dysplasia/Cardiomyopathy10; ARRHYTHMOGENIC RIGHT VENTRICULAR DYSPLASIA, FAMILIAL, 10; Arrhythmogenic right ventricular dysplasia/cardiomyopathy, type 10. Identifiers: MedGen C1857777, MONDO:0012434, OMIM 610193.

Submissions (3):

Labcorp Genetics (formerly Invitae), Labcorp
Classification: Uncertain significance for Arrhythmogenic right ventricular dysplasia 10. Last evaluated: 2025-12-16. Review status: criteria provided, single submitter. Criteria: Invitae Variant Classification Sherloc (09022015). Collection method: clinical testing. Allele origin: germline.
Comment: This sequence change replaces glutamic acid, which is acidic and polar, with glycine, which is neutral and non-polar, at codon 518 of the DSG2 protein (p.Glu518Gly). This variant is not present in population databases (gnomAD no frequency). This variant has not been reported in the literature in individuals affected with DSG2-related conditions. ClinVar contains an entry for this variant (Variation ID: 1172281). Invitae Evidence Modeling of protein sequence and biophysical properties (such as structural, functional, and spatial information, amino acid conservation, physicochemical variation, residue mobility, and thermodynamic stability) indicates that this missense variant is not expected to disrupt DSG2 protein function with a negative predictive value of 95%. In summary, the available evidence is currently insufficient to determine the role of this variant in disease. Therefore, it has been classified as a Variant of Uncertain Significance.

Color Diagnostics, LLC DBA Color Health
Classification: Uncertain significance for Cardiomyopathy. Last evaluated: 2024-03-06. Review status: criteria provided, single submitter. Criteria: ACMG Guidelines, 2015. Collection method: clinical testing. Allele origin: germline.
Comment: This missense variant replaces glutamic acid with glycine at codon 518 of the DSG2 protein. Computational prediction suggests that this variant may not impact protein structure and function (internally defined REVEL score threshold <= 0.5, PMID: 27666373). To our knowledge, functional studies have not been reported for this variant. This variant has not been reported in individuals affected with cardiovascular disorders in the literature. This variant has not been identified in the general population by the Genome Aggregation Database (gnomAD). The available evidence is insufficient to determine the role of this variant in disease conclusively. Therefore, this variant is classified as a Variant of Uncertain Significance.

All of Us Research Program, National Institutes of Health
Classification: Uncertain significance for Arrhythmogenic right ventricular cardiomyopathy. Last evaluated: 2024-02-22. Review status: criteria provided, single submitter. Criteria: ACMG Guidelines, 2015. Collection method: clinical testing. Allele origin: germline. Inheritance: Autosomal dominant inheritance. Observed: 1 variant allele, 1 heterozygote.
Comment: This missense variant replaces glutamic acid with glycine at codon 518 of the DSG2 protein. Computational prediction suggests that this variant may not impact protein structure and function (internally defined REVEL score threshold <= 0.5, PMID: 27666373). To our knowledge, functional studies have not been reported for this variant. This variant has not been reported in individuals affected with cardiovascular disorders in the literature. This variant has not been identified in the general population by the Genome Aggregation Database (gnomAD). The available evidence is insufficient to determine the role of this variant in disease conclusively. Therefore, this variant is classified as a Variant of Uncertain Significance.

This study involves interpretation of variants in research participants for the purpose of population health screening. Participant phenotype was not available at the time of variant classification. Additional details can be found in publication PMID: 35346344, PMCID: PMC8962531